The following is an entry in ClinVar:

NM_001009944.3(PKD1):c.2180T>A (p.Leu727Gln)

Gene: PKD1 (polycystin 1, transient receptor potential channel interacting; minus strand). Cytogenetic location: 16p13.3.
Variant type: single nucleotide variant.
Coding change: c.2180T>A on transcript NM_001009944.3 (MANE Select); coding-DNA position 2180, T replaced by A.
Protein change: p.Leu727Gln; replaces leucine 727 with glutamine.
Molecular consequence: missense variant.
Genome position (GRCh38, 1-based): chr16:2,114,843, A>T on the plus strand (T>A on the coding strand, the complement: PKD1 is on the minus strand). VCF-style: chr16-2114843-A-T. GRCh37 (hg19) VCF-style: chr16-2164844-A-T.
Other names: c.2180T>A, p.Leu727Gln (NM_000296.4); short protein forms L727Q.
Identifiers: ClinVar variation 586255 (VCV000586255.8), dbSNP rs1616940, ClinGen allele CA394389169.
Genomic context (GRCh38, chr16:2,114,843, plus strand): 5'-GCGTTGGCGGAGAGGTACGGGGCCCGGGGACCAGGGTGGCCGGGAGCCGGCGAGCAGTGC[A>T]GGAGGGCGCCAGGGCCAGCGTCGTGCTGCAAGCCAACGAGGTCACCAGGGAGCATGAGGA-3'
Protein context (NP_001009944.3, residues 717-737): LQHDAGPGAL[Leu727Gln]HCSPAPGHPG

ClinVar aggregate classification (germline): Conflicting classifications of pathogenicity. Review status: criteria provided, conflicting classifications (1 of 4 stars). 4 submissions from 4 submitters: Likely pathogenic (3); Uncertain significance (1). Last evaluated 2026-08-24.

Conditions:
Polycystic kidney disease, adult type (PKD1). Also called: Polycystic Kidney Disease 1, Autosomal Dominant; Polycystic kidney disease 1; Polycystic kidney disease 1, severe; Polycystic Kidney, Autosomal Dominant; POLYCYSTIC KIDNEY DISEASE 1 WITH OR WITHOUT POLYCYSTIC LIVER DISEASE; POLYCYSTIC KIDNEY DISEASE, ADULT, TYPE I. Identifiers: MedGen C3149841, MONDO:0008263, OMIM 173900.

Submissions (4):

Athena Diagnostics
Classification: Uncertain significance. Last evaluated: 2026-08-24. Review status: criteria provided, single submitter. Criteria: Athena Diagnostics Criteria. Collection method: clinical testing. Allele origin: germline.
Comment: Available data are insufficient to determine the clinical significance of the variant at this time. This variant has not been reported in large, multi-ethnic general populations. The result from the computational tool REVEL is uninformative in assessment of variant pathogenicity. Computational tools yielded predictions that this variant may result in the gain of a cryptic splice site without affecting the natural splice sites. At least one other missense variant at this codon is considered to be pathogenic or likely pathogenic, suggesting this variant may also cause disease.

GeneDx
Classification: Likely pathogenic. Last evaluated: 2024-04-29. Review status: criteria provided, single submitter. Criteria: GeneDx Variant Classification Process June 2021. Collection method: clinical testing. Allele origin: germline. Affected: yes.
Comment: Not observed at significant frequency in large population cohorts (gnomAD); In silico analysis supports that this missense variant has a deleterious effect on protein structure/function; This variant is associated with the following publications: (PMID: 29801666)

Fulgent Genetics
Classification: Likely pathogenic for Polycystic kidney disease, adult type. Last evaluated: 2024-04-26. Review status: criteria provided, single submitter. Criteria: ACMG Guidelines, 2015. Collection method: clinical testing. Allele origin: germline.

Genetic Services Laboratory, University of Chicago
Classification: Likely pathogenic. Last evaluated: 2024-03-12. Review status: criteria provided, single submitter. Criteria: ACMG Guidelines, 2015. Collection method: clinical testing. Allele origin: germline. Affected: yes.
Comment: DNA sequence analysis of the PKD1 gene demonstrated a sequence change, c.2180T>A, in exon 11 that results in an amino acid change, p.Leu727Gln. The p.Leu727Gln change affects a moderately conserved amino acid residue located in a domain of the PKD1 protein that is known to be functional. In-silico pathogenicity prediction tools (SIFT, PolyPhen2, Align GVGD, REVEL) provide contradictory results for the p.Leu727Gln substitution. This particular amino acid change has been described in the literature in individuals with cystic kidney disease; in one of those individuls, it was reported to be de novo in nature (PMID: 29801666) . Different sequence changes affecting the same amino acid residues (p.Leu727Pro, p.Leu727Arg) have been described in individuals with autosomal dominant polycystic kidney disease (PMID: 22508176, 27499327, 26150605, 21115670, 22383692, 24374109). This sequence change has not been described in population databases such as ExAC and gnomAD (dbSNP rs1616940). Collectively, this evidence indicates that this sequence change is likely pathogenic, however functional studies have not been performed to prove this conclusively.

Literature cited by the submitters: PubMed 29801666 (cited by Athena Diagnostics).